The following is an entry in ClinVar:

ClinVar aggregate classification (germline): Uncertain significance (1 of 4 stars; one submission).

Allele frequency attached by ClinVar (database versions not stated): TOPMed 0.00001.

Submission:

GeneDx
Classification: Uncertain significance. Last evaluated: 2023-02-27. Review status: criteria provided, single submitter. Criteria: GeneDx Variant Classification Process June 2021. Collection method: clinical testing. Allele origin: germline. Affected: yes.
Comment: Not observed at significant frequency in large population cohorts (gnomAD); In silico analysis supports that this missense variant does not alter protein structure/function; Has not been previously published as pathogenic or benign to our knowledge

NM_007363.5(NONO):c.626G>A (p.Ser209Asn)

Gene: NONO (non-POU domain containing octamer binding; plus strand). Cytogenetic location: Xq13.1.
Variant type: single nucleotide variant.
Coding change: c.626G>A on transcript NM_007363.5 (MANE Select); coding-DNA position 626, G replaced by A.
Protein change: p.Ser209Asn; replaces serine 209 with asparagine.
Molecular consequence: missense variant.
Genome position (GRCh38, 1-based): chrX:71,294,504, G>A. VCF-style: chrX-71294504-G-A. GRCh37 (hg19) VCF-style: chrX-70514354-G-A.
Other names: c.626G>A, p.Ser209Asn (NM_001145408.2, NM_001145409.2); c.359G>A, p.Ser120Asn (NM_001145410.2); short protein forms S120N, S209N.
Identifiers: ClinVar variation 2430653 (VCV002430653.1), dbSNP rs1602387726, ClinGen allele CA413542502.